The following is an entry in ClinVar:

ClinVar aggregate classification (germline): Uncertain significance (1 of 4 stars; one submission).

Submission:

Labcorp Genetics (formerly Invitae), Labcorp
Classification: Uncertain significance. Last evaluated: 2024-06-10. Review status: criteria provided, single submitter. Criteria: Invitae Variant Classification Sherloc (09022015). Collection method: clinical testing. Allele origin: germline.
Comment: This sequence change replaces methionine, which is neutral and non-polar, with isoleucine, which is neutral and non-polar, at codon 695 of the MYLK3 protein (p.Met695Ile). This variant is not present in population databases (gnomAD no frequency). This variant has not been reported in the literature in individuals affected with MYLK3-related conditions. ClinVar contains an entry for this variant (Variation ID: 1971899). An algorithm developed to predict the effect of missense changes on protein structure and function (PolyPhen-2) suggests that this variant is likely to be disruptive. In summary, the available evidence is currently insufficient to determine the role of this variant in disease. Therefore, it has been classified as a Variant of Uncertain Significance.

NM_182493.3(MYLK3):c.2085G>T (p.Met695Ile)

Gene: MYLK3 (myosin light chain kinase 3; minus strand). Cytogenetic location: 16q11.2.
Variant type: single nucleotide variant.
Coding change: c.2085G>T on transcript NM_182493.3 (MANE Select); coding-DNA position 2085, G replaced by T.
Protein change: p.Met695Ile; replaces methionine 695 with isoleucine.
Molecular consequence: missense variant.
Genome position (GRCh38, 1-based): chr16:46,712,677, C>A on the plus strand (G>T on the coding strand, the complement: MYLK3 is on the minus strand). VCF-style: chr16-46712677-C-A. GRCh37 (hg19) VCF-style: chr16-46746589-C-A.
Other names: c.1062G>T, p.Met354Ile (NM_001308301.1); short protein forms M354I, M695I.
Identifiers: ClinVar variation 1971899 (VCV001971899.5), dbSNP rs745405303, ClinGen allele CA395787797.